The following continues an entry in ClinVar:

NM_001048174.2(MUTYH):c.452A>G (p.Tyr151Cys)

Gene: MUTYH. ClinVar aggregate classification (germline): Pathogenic/Likely pathogenic. Pathogenic (52); Likely pathogenic (2).

Submissions 35 to 50 of 74:

Genetic Services Laboratory, University of Chicago
Classification: Pathogenic. Last evaluated: 2022-01-11. Review status: criteria provided, single submitter. Criteria: ACMG Guidelines, 2015. Collection method: clinical testing. Allele origin: germline. Affected: yes.
Comment: DNA sequence analysis of the MUTYH gene demonstrated a sequence change, c.536A>G, in exon 7 that results in an amino acid change, p.Tyr179Cys. This pathogenic sequence change is a known founder mutation in the European population and has been described in the gnomAD database with a frequency of 0.25% in the non-Finnish European population (dbSNP rs34612342). This pathogenic sequence change has previously been described in the homozygous or compound heterozygous state in multiple patients with MUTYH-associated polyposis (PMIDs: 19032956, 11818965; Cleary et al., 2009). Multiple in vitro studies have supported the pathogenic nature of the p.Tyr179Cys change (PMIDs: 24569162, 25820570). The p.Tyr179Cys change affects a highly conserved amino acid residue located in a domain of the MUTYH protein that is known to be functional. The p.Tyr179Cys substitution appears to be deleterious using several in-silico pathogenicity prediction tools (SIFT, PolyPhen2, Align GVGD, REVEL).

Laboratorio de Genetica e Diagnostico Molecular, Hospital Israelita Albert Einstein
Classification: Pathogenic for Familial adenomatous polyposis 2. Last evaluated: 2021-11-30. Review status: criteria provided, single submitter. Criteria: ACMG Guidelines, 2015. Collection method: clinical testing. Allele origin: germline. Affected: yes.
Comment: ACMG classification criteria: PS3 moderate, PM3 very strong, PP1

Institute for Clinical Genetics, University Hospital TU Dresden, University Hospital TU Dresden
Classification: Pathogenic. Last evaluated: 2021-11-03. Review status: criteria provided, single submitter. Criteria: ACMG Guidelines, 2015. Collection method: clinical testing. Allele origin: germline.

Laboratory for Molecular Medicine, Mass General Brigham Personalized Medicine
Classification: Pathogenic for Familial adenomatous polyposis 2. Last evaluated: 2021-10-01. Review status: criteria provided, single submitter. Criteria: ACMG Guidelines, 2015. Collection method: clinical testing. Allele origin: germline. Inheritance: Autosomal recessive inheritance.
Comment: The p.Tyr179Cys variant in MUTYH is a well-established pathogenic variant for MUTYH-associated polyposis, segregating with disease in multiple affected individuals (Al-Tassan 2002 PMID: 11818965, Nielsen 2009 PMID: 19032956, Vogt 2009 PMID: 19732775). This variant has also been reported by other clinical laboratories in ClinVar (Variation ID 5293) and been identified in 0.2% (323/129154) of European chromosomes by the Genome Aggregation Database (gnomAD; dbSNP rs34612342). Although this variant has been seen in the general population, its frequency is low enough to be consistent with a recessive carrier frequency. Functional studies indicate this variant affects MUTYH enzyme activity (Al-Tassan 2002 PMID: 11818965, Parker 2005 PMID: 15987719, Kundu 2009 PMID: 19836313, Molatore 2009 PMID: 19953527, Grasso 2014 PMID: 24569162). In summary, this variant meets criteria to be classified as pathogenic for MUTYH-associated polyposis in an autosomal recessive manner based upon presence in multiple affected individuals, segregation and functional studies. The ACMG/AMP Criteria applied: PM3_VeryStrong, PP1_Strong, PS3_Moderate.

GeneDx
Classification: Pathogenic. Last evaluated: 2021-02-26. Review status: criteria provided, single submitter. Criteria: GeneDx Variant Classification Process June 2021. Collection method: clinical testing. Allele origin: germline. Affected: yes.
Comment: One of two common MUTYH pathogenic variants which together account for up to 80% of pathogenic MUTYH variants (Cleary 2009); Observed in the homozygous and compound heterozygous state in multiple individuals with MUTYH-Associated Polyposis (Nielsen 2009, de Leon 2017, DeRycke 2017, Furlan 2017); Published functional studies demonstrate a damaging effect: reduced glycosylase and DNA binding activity (Ali 2008, Goto 2010, Komine 2015); In silico analysis supports that this missense variant has a deleterious effect on protein structure/function; Also known as p.Tyr165Cys; This variant is associated with the following publications: (PMID: 21178863, 19998059, 19032956, 20418187, 19836313, 20571908, 19300419, 22744763, 27153395, 25980754, 27705013, 28944238, 28141798, 20848659, 30256826, 30609409, 29506128, 22703879, 21063410, 22926731, 23361220, 18534194, 19732775, 19953527, 24733792, 23108399, 24728327, 25931827, 24569162, 11818965, 12606733, 17489848, 19793053, 16557584, 24444654, 16492921, 19394335, 21171015, 17039270, 27498913, 25820570, 27829682, 27631816, 27978560, 26446593, 27797849, 26681312, 26202870, 28709830, 28873162, 28503720, 27696107, 27799157, 27783336, 28591191, 29557500, 26517685, 26556299, 30953464, 30067863, 30564557, 30582135, 30604180, 30833417, 31159747, 30676620, 30877237, 31921681, 30306255, 32088803, 30291343, 31447099, 31263571, 32283892, 31980526, 23035301, 34026625, 34426522, 34259353, 31589614, 33193653, 33384714, 32338768, 33258288, 32615015, 32830346, 33504652, 33332384, 30613976, 33442023)

Institute of Medical Genetics and Applied Genomics, University Hospital Tübingen
Classification: Pathogenic. Last evaluated: 2020-10-23. Review status: criteria provided, single submitter. Criteria: ACMG Guidelines, 2015. Collection method: clinical testing. Allele origin: germline. Inheritance: Unknown mechanism. Affected: yes.

Department of Molecular Diagnostics, Institute of Oncology Ljubljana
Classification: Pathogenic for Familial adenomatous polyposis 2. Last evaluated: 2020-04-02. Review status: criteria provided, single submitter. Criteria: ACMG Guidelines, 2015. Collection method: clinical testing. Allele origin: germline. Affected: yes.

GeneKor MSA
Classification: Pathogenic for Hereditary cancer-predisposing syndrome. Last evaluated: 2020-01-01. Review status: criteria provided, single submitter. Criteria: ACMG Guidelines, 2015. Collection method: clinical testing. Allele origin: germline. Affected: yes.
Comment: This sequence change replaces tyrosine with cysteine at codon 179 of the MUTYH protein (p.Tyr179Cys). The tyrosine residue is highly conserved and there is a large physicochemical difference between tyrosine and cysteine (Grantham Score 194).This variant, also known as Y165C using an alternative reference sequence, has been published in the literature as one of the two common MUTYH missense mutations in Western populations, and, when found in combination with another pathogenic variant, is known to cause MUTYH-associated polyposis (MAP) (PMID: 19032956). It has been reported to co-segregate with disease in individuals affected with colorectal cancer, familial adenomatous polyposis (FAP), and attenuated FAP (PMID: 24444654; 21063410 ; 19793053 ; 17489848, 31159747) Experimental studies have shown that this variant disrupts MUTYH protein function (PMID: 20848659 ; 19953527 ; 11818965 ). The mutation database ClinVar contains entries for this variant (Variation ID:5293).

HudsonAlpha Institute for Biotechnology
Classification: Likely pathogenic for Familial adenomatous polyposis 2. Last evaluated: 2019-03-26. Review status: criteria provided, single submitter. Criteria: ACMG Guidelines, 2015. Collection method: research. Allele origin: unknown. Observed: 1 variant allele. Study: HudsonAlpha-AGHI-WGS.

Mendelics
Classification: Pathogenic for MYH-associated polyposis. Last evaluated: 2018-07-02. Review status: criteria provided, single submitter. Criteria: Mendelics Assertion Criteria 2017. Collection method: clinical testing. Allele origin: unknown.

Eurofins Ntd Llc (ga)
Classification: Pathogenic. Last evaluated: 2017-09-26. Review status: criteria provided, single submitter. Criteria: EGL Classification Definitions 2015. Collection method: clinical testing. Allele origin: germline. Observed: 10 variant alleles, 9 heterozygotes, 1 homozygote.

Center for Human Genetics, Inc
Classification: Pathogenic for Familial adenomatous polyposis 2. Last evaluated: 2016-11-01. Review status: criteria provided, single submitter. Criteria: ACMG Guidelines, 2015. Collection method: clinical testing. Allele origin: germline. Affected: yes.

Illumina Laboratory Services, Illumina
Classification: Pathogenic for MYH-Associated Polyposis. Last evaluated: 2016-06-14. Review status: criteria provided, single submitter. Criteria: ICSL Variant Classification 20161018. Collection method: clinical testing. Allele origin: germline.
Comment: Several studies describe the c.494A>G (p.Tyr165Cys) as a common pathogenic variant, also referred to as c.536A>G (p.Tyr179Cys) in the literature. In 2002, Al-Tassan et al. described a family with three siblings with multiple colorectal adenomas and carcinoma, found to be compound heterozygous for the p.Tyr165Cys variant. Four unaffected siblings were all heterozygous for a single variant or homozygous wild-type. Nielson et al. (2005) identified the p.Tyr165Cys variant in a presumed compound heterozygous state in 13 individuals and in a homozygous state in 14 individuals, out of 170 patients with polyposis who previously tested negative for APC mutations. The p.Tyr165Cys variant was the most common variant identified in the study cohort. Control data are unavailable for the p.Tyr165Cys variant which is reported at a frequency of 0.00302 in the European American population of the Exome Sequencing Project. In 2009, Nielsen et al. assessed genotype phenotype relationships of the common p.Tyr165Cys and p.Gly396Asp variants. Patients homozygous for the p.Tyr165Cys variant had a significantly increased chance of developing colorectal cancer compared to patients homozygous for the p.Gly396Asp variant or compound heterozygous for the p.Tyr165Cys and Gly382Asp variants (Nielsen et al. 2009). Ali et al. (2008) demonstrated significantly impaired DNA glycosylase and binding activities of the p.Tyr165Cys variant via in vitro functional assays, which were unable to generate any detectable cleavage products or to bind to the substrates. Similarly, Goto et al. (2010) demonstrated the adenine DNA glycosylase activity of the p. p.Tyr165Cys protein was 4.5% of wild-type. The collective evidence supports p.Tyr165Cys as a pathogenic variant.

University of Washington Department of Laboratory Medicine, University of Washington
Classification: Pathogenic for Hereditary cancer-predisposing syndrome. Last evaluated: 2015-11-20. Review status: criteria provided, single submitter. Criteria: Shirts et al. (Genet Med 2016). Collection method: clinical testing. Allele origin: germline. Affected: yes. Observed: 3 variant alleles. Clinical features observed: colon cancer, ovarian cancer, skin cancer, prostate cancer.

Clinical Genetics and Genomics, Karolinska University Hospital
Classification: Pathogenic. Last evaluated: 2015-08-20. Review status: criteria provided, single submitter. Criteria: ACMG Guidelines, 2015. Collection method: clinical testing. Allele origin: germline. Affected: yes. Observed: 14 variant alleles.

Genomic Diagnostic Laboratory, Division of Genomic Diagnostics, Children's Hospital of Philadelphia
Classification: Pathogenic for MYH-associated polyposis. Last evaluated: 2015-06-25. Review status: criteria provided, single submitter. Criteria: DGD Variant Analysis Guidelines. Collection method: clinical testing. Allele origin: unknown.